The following is an entry in ClinVar:

NM_004369.4(COL6A3):c.1312+294G>A

Gene: COL6A3 (collagen type VI alpha 3 chain; minus strand). Cytogenetic location: 2q37.3.
Variant type: single nucleotide variant.
Coding change: c.1312+294G>A on transcript NM_004369.4 (MANE Select); 294 bases into the intron after coding-DNA position 1312, G replaced by A.
Molecular consequence: intron variant.
Genome position (GRCh38, 1-based): chr2:237,387,288, C>T on the plus strand (G>A on the coding strand, the complement: COL6A3 is on the minus strand). VCF-style: chr2-237387288-C-T. GRCh37 (hg19) VCF-style: chr2-238295931-C-T.
Other names: c.92-5789G>A (NM_057166.5, NM_057164.5); c.694+294G>A (NM_057167.4, NM_057165.5).
Identifiers: ClinVar variation 673938 (VCV000673938.2), dbSNP rs78734078, ClinGen allele CA67835165.

ClinVar aggregate classification (germline): Likely benign. Review status: criteria provided, multiple submitters, no conflicts (2 of 4 stars). 2 submissions from 2 submitters: Likely benign (2). Last evaluated 2018-06-18.

Allele frequency attached by ClinVar (database versions not stated): gnomAD 0.00695 and 0.00757; TOPMed 0.00770; 1000 Genomes Project 0.00819.

Submissions (2):

GeneDx
Classification: Likely benign. Last evaluated: 2018-06-18. Review status: criteria provided, single submitter. Criteria: GeneDx Variant Classification (06012015). Collection method: clinical testing. Allele origin: germline. Affected: yes.
Comment: This variant is considered likely benign or benign based on one or more of the following criteria: it is a conservative change, it occurs at a poorly conserved position in the protein, it is predicted to be benign by multiple in silico algorithms, and/or has population frequency not consistent with disease.

Breakthrough Genomics
Classification: Likely benign. Review status: criteria provided, single submitter. Criteria: ACMG Guidelines, 2015. Collection method: not provided. Allele origin: germline. Inheritance: Autosomal recessive inheritance. Affected: yes.